The following is an entry in ClinVar:

NM_000465.4(BARD1):c.818G>T (p.Gly273Val)

Gene: BARD1 (BRCA1 associated RING domain 1; minus strand). Cytogenetic location: 2q35.
Variant type: single nucleotide variant.
Coding change: c.818G>T on transcript NM_000465.4 (MANE Select); coding-DNA position 818, G replaced by T.
Protein change: p.Gly273Val; replaces glycine 273 with valine.
Molecular consequence: missense variant. On other transcripts: non-coding transcript variant (2), intron variant (3).
Genome position (GRCh38, 1-based): chr2:214,781,056, C>A on the plus strand (G>T on the coding strand, the complement: BARD1 is on the minus strand). VCF-style: chr2-214781056-C-A. GRCh37 (hg19) VCF-style: chr2-215645780-C-A.
Other names: c.761G>T, p.Gly254Val (NM_001282543.2); c.158+28356G>T (NM_001282548.2); c.215+16005G>T (NM_001282545.2); c.364+11241G>T (NM_001282549.2); short protein forms G254V, G273V.
Identifiers: ClinVar variation 3725460 (VCV003725460.2).

ClinVar aggregate classification (germline): Uncertain significance (1 of 4 stars; one submission).

Conditions:
Familial cancer of breast. Also called: Hereditary breast cancer; BREAST CANCER, FAMILIAL; hereditary breast carcinoma. Identifiers: Orphanet 227535, MedGen C0346153, MONDO:0016419, OMIM 114480. Disease mechanism: loss of function.

Submission:

Labcorp Genetics (formerly Invitae), Labcorp
Classification: Uncertain significance for Familial cancer of breast. Last evaluated: 2024-11-20. Review status: criteria provided, single submitter. Criteria: Invitae Variant Classification Sherloc (09022015). Collection method: clinical testing. Allele origin: germline.
Comment: This sequence change replaces glycine, which is neutral and non-polar, with valine, which is neutral and non-polar, at codon 273 of the BARD1 protein (p.Gly273Val). This variant is not present in population databases (gnomAD no frequency). This variant has not been reported in the literature in individuals affected with BARD1-related conditions. An algorithm developed to predict the effect of missense changes on protein structure and function (PolyPhen-2) suggests that this variant is likely to be tolerated. In summary, the available evidence is currently insufficient to determine the role of this variant in disease. Therefore, it has been classified as a Variant of Uncertain Significance.